The following is an entry in ClinVar:

NM_005221.6(DLX5):c.620_621dup (p.Ser208fs)

Genes: DLX5 (distal-less homeobox 5; minus strand), LOC126860116 (CDK7 strongly-dependent group 2 enhancer GRCh37_chr7:96650255-96651454; plus strand). Cytogenetic location: 7q21.3.
Variant type: Duplication.
Coding change: c.620_621dup on transcript NM_005221.6 (MANE Select); coding-DNA positions 620 to 621, 2 bases duplicated (CC; older notation c.620_621dupCC).
Protein change: p.Ser208fs; shifts the reading frame from serine 208.
Molecular consequence: frameshift variant.
Genome position (GRCh38, 1-based): chr7:97,020,985-97,020,986, GG duplicated on the plus strand (CC on the coding strand, the reverse complement: DLX5 is on the minus strand); duplicating any 2 consecutive bases within chr7:97,020,985-97,020,987 gives the same sequence; the c. name uses the placement nearest the transcript's 3' end. VCF-style (leftmost placement, unchanged base first): chr7-97020984-T-TGG. GRCh37 (hg19) VCF-style: chr7-96650296-T-TGG.
Other names: c.620_621dupCC (NM_005221.5); c.620_621dup (NM_005221.5); short protein forms S208fs.
Identifiers: ClinVar variation 2632626 (VCV002632626.2), dbSNP rs2485516406, ClinGen allele CA2683836917.

ClinVar aggregate classification (germline): Uncertain significance. Review status: criteria provided, multiple submitters, no conflicts (2 of 4 stars). 2 submissions from 2 submitters: Uncertain significance (2). Last evaluated 2024-11-23.

Conditions:
DLX5-related disorder. Also called: DLX5-related condition.

Submissions (2):

GeneDx
Classification: Uncertain significance. Last evaluated: 2024-11-23. Review status: criteria provided, single submitter. Criteria: GeneDx Variant Classification Process June 2021. Collection method: clinical testing. Allele origin: germline. Affected: yes.
Comment: Frameshift variant predicted to result in abnormal protein length as the last 82 amino acid(s) are replaced with 101 different amino acid(s) with an unclear effect on protein function; Has not been previously published as pathogenic or benign to our knowledge; Not observed at significant frequency in large population cohorts (gnomAD)

PreventionGenetics, part of Exact Sciences
Classification: Uncertain significance for DLX5-related condition. Last evaluated: 2023-06-06. Review status: criteria provided, single submitter. Criteria: ACMG Guidelines, 2015. Collection method: clinical testing. Allele origin: germline.
Comment: The DLX5 c.620_621dupCC variant is predicted to result in a frameshift and premature protein termination (p.Ser208Profs*102). Other DLX5 gene variants resulting in a frameshift and / or premature protein termination have been reported in patients with split hand / foot malformations. It is uncertain if a frameshift in the last exon that results in protein elongation is a cause of disease. To our knowledge, this variant has not been reported in the literature or in a large population database, indicating this variant is rare. At this time, the clinical significance of this variant is uncertain due to the absence of conclusive functional and genetic evidence.